The following is an entry in ClinVar:

NM_004999.4(MYO6):c.2665A>G (p.Met889Val)

Gene: MYO6 (myosin VI; plus strand). Cytogenetic location: 6q14.1.
Variant type: single nucleotide variant.
Coding change: c.2665A>G on transcript NM_004999.4 (MANE Select); coding-DNA position 2665, A replaced by G.
Protein change: p.Met889Val; replaces methionine 889 with valine.
Molecular consequence: missense variant. On other transcripts: non-coding transcript variant (1).
Genome position (GRCh38, 1-based): chr6:75,890,063, A>G. VCF-style: chr6-75890063-A-G. GRCh37 (hg19) VCF-style: chr6-76599780-A-G.
Other names: c.2665A>G, p.Met889Val (NM_001300899.2, NM_001368136.1, NM_001368137.1 and 2 more transcripts); c.2650A>G, p.Met884Val (NM_001368138.1); short protein forms M889V, M884V.
Identifiers: ClinVar variation 179744 (VCV000179744.8), dbSNP rs727505098, ClinGen allele CA185054.

ClinVar aggregate classification (germline): Conflicting classifications of pathogenicity. Review status: criteria provided, conflicting classifications (1 of 4 stars). 3 submissions from 3 submitters: Uncertain significance (2); Likely benign (1). Last evaluated 2025-06-29.

Conditions:
MYO6-related disorder. Also called: MYO6-related condition; MYO6-related disorders.

Allele frequency attached by ClinVar (database versions not stated): gnomAD exomes 0.00002; ExAC 0.00003; TOPMed 0.00009; gnomAD 0.00013 and 0.00014.
gnomAD v4.1: 41 of 1,611,422 alleles (0.0025%); highest among the groups gnomAD compares: African/African-American, 0.035%; no homozygotes.

Submissions (3):

PreventionGenetics, part of Exact Sciences
Classification: Uncertain significance for MYO6-related condition. Last evaluated: 2025-06-29. Review status: criteria provided, single submitter. Criteria: ACMG Guidelines, 2015. Collection method: clinical testing. Allele origin: germline.
Comment: The MYO6 c.2665A>G variant is predicted to result in the amino acid substitution p.Met889Val. To our knowledge, this variant has not been reported in the literature. This variant is reported in 0.028% of alleles in individuals of African descent in gnomAD. At this time, the clinical significance of this variant is uncertain due to the absence of conclusive functional and genetic evidence.

GeneDx
Classification: Uncertain significance. Last evaluated: 2023-11-15. Review status: criteria provided, single submitter. Criteria: GeneDx Variant Classification Process June 2021. Collection method: clinical testing. Allele origin: germline. Affected: yes.
Comment: In silico analysis supports that this missense variant does not alter protein structure/function; Has not been previously published as pathogenic or benign to our knowledge

Laboratory for Molecular Medicine, Mass General Brigham Personalized Medicine
Classification: Likely benign. Last evaluated: 2014-05-01. Review status: criteria provided, single submitter. Criteria: LMM Criteria. Collection method: clinical testing. Allele origin: germline. Observed: 1 variant allele.
Comment: Met889Val in exon 26 of MYO6: This variant is not expected to have clinical sign ificance due to a lack of conservation across species, including mammals. Of not e, at least 3 mammals (alpaca, Bactrian camel, and platypus) have a valine (Val) at this position despite high nearby amino acid conservation.